The following is an entry in ClinVar:

NM_003742.4(ABCB11):c.908+1G>A

Gene: ABCB11 (ATP binding cassette subfamily B member 11; minus strand). Cytogenetic location: 2q31.1.
Variant type: single nucleotide variant.
Coding change: c.908+1G>A on transcript NM_003742.4 (MANE Select); the canonical splice donor site of the intron after coding-DNA position 908, G replaced by A.
Molecular consequence: splice donor variant.
Genome position (GRCh38, 1-based): chr2:168,990,800, C>T on the plus strand (G>A on the coding strand, the complement: ABCB11 is on the minus strand). VCF-style: chr2-168990800-C-T. GRCh37 (hg19) VCF-style: chr2-169847310-C-T.
Identifiers: ClinVar variation 285414 (VCV000285414.15), dbSNP rs147649016, ClinGen allele CA1951769.

ClinVar aggregate classification (germline): Pathogenic. Review status: criteria provided, multiple submitters, no conflicts (2 of 4 stars). 5 submissions from 5 submitters: Pathogenic (5). Last evaluated 2026-04-14.

Conditions:
Progressive familial intrahepatic cholestasis type 2. Identifiers: Orphanet 79304, MedGen C3489789, MONDO:0011156, OMIM 601847.
Benign recurrent intrahepatic cholestasis type 2 (BRIC2). Also called: Recurrent familial intrahepatic cholestasis 2. Identifiers: Orphanet 65682, Orphanet 99961, MedGen C2608083, MONDO:0011559, OMIM 605479.
Familial intrahepatic cholestasis. Identifiers: Orphanet 284385, MedGen CN296401, MONDO:0017290.

Allele frequency attached by ClinVar (database versions not stated): gnomAD exomes 0.00001; TOPMed 0.00001; ExAC 0.00002; gnomAD 0.00003 and 0.00004; 1000 Genomes Project 30x 0.00031; 1000 Genomes Project 0.00040.
gnomAD v4.1: 9 of 1,612,716 alleles (0.00056%); highest among the groups gnomAD compares: African/African-American, 0.004%; no homozygotes.

Submissions (5):

Genomenon, Inc
Classification: Pathogenic for Familial intrahepatic cholestasis. Last evaluated: 2026-04-14. Review status: criteria provided, single submitter. Criteria: Genomenon Sequence Variant Interpretation Standards - Updated. Collection method: curation. Allele origin: germline. Affected: yes.
Comment: ABCB11 c.908+1G>A is a canonical splice variant affecting the donor splice site of intron 9. It is predicted to affect mRNA splicing, leading to a deleterious effect on the ABCB11 protein. This variant has been observed in at least one proband with an ABCB11-related disorder (PMID:20583290;18395098;24991443). It is absent or not present at a significant frequency in gnomAD. In conclusion, we classify ABCB11 c.908+1G>A as a pathogenic variant.

Natera, Inc.
Classification: Pathogenic for Progressive familial intrahepatic cholestasis type 2. Last evaluated: 2025-06-03. Review status: criteria provided, single submitter. Criteria: Natera Variant Classification Schema (03/2026). Collection method: clinical testing. Allele origin: germline.
Comment: The c.908+1G>A variant in ABCB11 is a canonical splice donor site variant predicted to affect pre-mRNA splicing, which may result in an abnormal transcript and altered protein product. This variant is expected to result in nonsense mediated decay, truncation, or a dysfunctional protein product. This variant is rare in the general population with a frequency below the threshold expected for the associated phenotype(s). This variant has been observed in one or more individuals affected with the associated recessive disease, as either homozygous or compound heterozygous with a second variant (PMID: 32808743). Another variant at this same site results in an alteration predicted to cause a similar molecular effect has been observed in individual(s) with the associated phenotype. Given the available evidence, this variant is classified as Pathogenic.

Fulgent Genetics
Classification: Pathogenic for Progressive familial intrahepatic cholestasis type 2; Benign recurrent intrahepatic cholestasis type 2. Last evaluated: 2024-04-17. Review status: criteria provided, single submitter. Criteria: ACMG Guidelines, 2015. Collection method: clinical testing. Allele origin: germline.

Labcorp Genetics (formerly Invitae), Labcorp
Classification: Pathogenic. Last evaluated: 2022-08-07. Review status: criteria provided, single submitter. Criteria: Invitae Variant Classification Sherloc (09022015). Collection method: clinical testing. Allele origin: germline.
Comment: Disruption of this splice site has been observed in individuals with ABCB11-related conditions (PMID: 18395098, 24991443). For these reasons, this variant has been classified as Pathogenic. Algorithms developed to predict the effect of sequence changes on RNA splicing suggest that this variant may disrupt the consensus splice site. ClinVar contains an entry for this variant (Variation ID: 285414). This variant is present in population databases (rs147649016, gnomAD 0.004%). This sequence change affects a donor splice site in intron 9 of the ABCB11 gene. It is expected to disrupt RNA splicing. Variants that disrupt the donor or acceptor splice site typically lead to a loss of protein function (PMID: 16199547), and loss-of-function variants in ABCB11 are known to be pathogenic (PMID: 18395098, 20232290).

Eurofins Ntd Llc (ga)
Classification: Pathogenic. Last evaluated: 2016-01-15. Review status: criteria provided, single submitter. Criteria: EGL Classification Definitions 2015. Collection method: clinical testing. Allele origin: germline. Observed: 1 variant allele, 1 heterozygote.

Literature cited by the submitters: PubMed 20583290 (cited by Genomenon, Inc); PubMed 18395098 (cited by Genomenon, Inc and Labcorp Genetics (formerly Invitae), Labcorp); PubMed 24991443 (cited by Genomenon, Inc and Labcorp Genetics (formerly Invitae), Labcorp); PubMed 32808743 (cited by Natera, Inc.); PubMed 16199547 (cited by Labcorp Genetics (formerly Invitae), Labcorp); PubMed 20232290 (cited by Labcorp Genetics (formerly Invitae), Labcorp).